The following is an entry in ClinVar:

NM_001035.3(RYR2):c.10162C>A (p.Pro3388Thr)

Gene: RYR2 (ryanodine receptor 2; plus strand). Cytogenetic location: 1q43.
Variant type: single nucleotide variant.
Coding change: c.10162C>A on transcript NM_001035.3 (MANE Select); coding-DNA position 10162, C replaced by A.
Protein change: p.Pro3388Thr; replaces proline 3388 with threonine.
Molecular consequence: missense variant.
Genome position (GRCh38, 1-based): chr1:237,709,499, C>A. VCF-style: chr1-237709499-C-A. GRCh37 (hg19) VCF-style: chr1-237872799-C-A.
Other names: short protein forms P3388T.
Identifiers: ClinVar variation 4158430 (VCV004158430.1).

ClinVar aggregate classification (germline): Uncertain significance (1 of 4 stars; one submission).

Conditions:
Cardiovascular phenotype. Identifiers: MedGen CN230736.

Submission:

Ambry Genetics
Classification: Uncertain significance for Cardiovascular phenotype. Last evaluated: 2025-07-01. Review status: criteria provided, single submitter. Criteria: Ambry Variant Classification Scheme 2023. Collection method: clinical testing. Allele origin: germline.
Comment: The p.P3388T variant (also known as c.10162C>A), located in coding exon 70 of the RYR2 gene, results from a C to A substitution at nucleotide position 10162. The proline at codon 3388 is replaced by threonine, an amino acid with highly similar properties. This amino acid position is well conserved in available vertebrate species. In addition, the in silico prediction for this alteration is inconclusive. Based on the available evidence, the clinical significance of this variant remains unclear.